The following is an entry in ClinVar:

ClinVar aggregate classification (germline): Likely benign. Review status: criteria provided, multiple submitters, no conflicts (2 of 4 stars). 7 submissions from 7 submitters: Likely benign (7). Last evaluated 2025-10-01.

Conditions:
MFN2-related disorder. Also called: MFN2-related condition; MFN2-related disorders.
Charcot-Marie-Tooth disease. Also called: Charcot-Marie-Tooth Hereditary Neuropathy; Charcot-Marie-Tooth Neuropathy. Identifiers: Orphanet 166, MedGen C0007959, MONDO:0015626.
Charcot-Marie-Tooth disease type 2. Also called: Charcot-Marie-Tooth type 2. Identifiers: Orphanet 64746, MedGen C0270914, MONDO:0018993.
Inborn genetic diseases. Identifiers: MedGen C0950123, MeSH D030342.

Allele frequency attached by ClinVar (database versions not stated): ExAC 0.00007; ESP Exome Variant Server 0.00008; gnomAD exomes 0.00009 and 0.00024; TOPMed 0.00014; gnomAD 0.00017.
gnomAD v4.1: 373 of 1,614,008 alleles (0.023%); highest among the groups gnomAD compares: African/African-American, 0.032%; no homozygotes.

Submissions (7):

CeGaT Center for Human Genetics Tuebingen
Classification: Likely benign. Last evaluated: 2025-10-01. Review status: criteria provided, single submitter. Criteria: CeGaT Center For Human Genetics Tuebingen Variant Classification Criteria Version 2. Collection method: clinical testing. Allele origin: germline. Affected: yes. Observed: 1 variant allele.
Comment: MFN2: BP4, BP7

Labcorp Genetics (formerly Invitae), Labcorp
Classification: Likely benign for Charcot-Marie-Tooth disease type 2. Last evaluated: 2025-08-11. Review status: criteria provided, single submitter. Criteria: Invitae Variant Classification Sherloc (09022015). Collection method: clinical testing. Allele origin: germline.

PreventionGenetics, part of Exact Sciences
Classification: Likely benign for MFN2-related condition. Last evaluated: 2025-05-29. Review status: criteria provided, single submitter. Criteria: ACMG Guidelines, 2015. Collection method: clinical testing. Allele origin: germline.
Comment: This variant is classified as likely benign based on ACMG/AMP sequence variant interpretation guidelines (Richards et al. 2015 PMID: 25741868, with internal and published modifications).

Blueprint Genetics
Classification: Likely benign. Last evaluated: 2024-11-14. Review status: criteria provided, single submitter. Criteria: ACMG Guidelines, 2015. Collection method: clinical testing. Allele origin: germline.

GeneDx
Classification: Likely benign. Last evaluated: 2020-03-20. Review status: criteria provided, single submitter. Criteria: GeneDx Variant Classification Process June 2021. Collection method: clinical testing. Allele origin: germline. Affected: yes.

Ambry Genetics
Classification: Likely benign for Inborn genetic diseases. Last evaluated: 2019-07-11. Review status: criteria provided, single submitter. Criteria: Ambry Variant Classification Scheme 2023. Collection method: clinical testing. Allele origin: germline.

Molecular Genetics Laboratory, London Health Sciences Centre
Classification: Likely benign for Charcot-Marie-Tooth disease. Review status: criteria provided, single submitter. Criteria: ACMG Guidelines, 2015. Collection method: clinical testing. Allele origin: germline. Affected: yes.

NM_014874.4(MFN2):c.444C>T (p.Thr148=)

Gene: MFN2 (mitofusin 2; plus strand). Cytogenetic location: 1p36.22.
Variant type: single nucleotide variant.
Coding change: c.444C>T on transcript NM_014874.4 (MANE Select); coding-DNA position 444, C replaced by T.
Protein change: p.Thr148=; no amino-acid change (threonine 148 retained).
Molecular consequence: synonymous variant.
Genome position (GRCh38, 1-based): chr1:11,996,288, C>T. VCF-style: chr1-11996288-C-T. GRCh37 (hg19) VCF-style: chr1-12056345-C-T.
Other names: c.444C>T, p.Thr148= (NM_001127660.2).
Identifiers: ClinVar variation 385552 (VCV000385552.25), dbSNP rs373038884, ClinGen allele CA598822.
Genomic context (GRCh38, chr1:11,996,288, plus strand): 5'-CACCACCAATTGCTTCCTGCGGGTAGAGGGCACAGATGGCCATGAGGCCTTTCTCCTTAC[C>T]GAGGGCTCAGAGGAAAAGAGGAGTGCCAAGGTGAGGGTGCCAGGCTGGCTGTCAGCCCTG-3'
Protein context (NP_055689.1, residues 138-158): GTDGHEAFLL[Thr148=]EGSEEKRSAK